The following is an entry in ClinVar:

ClinVar aggregate classification (germline): Likely pathogenic (1 of 4 stars; one submission).

Conditions:
GATA binding protein 1 related thrombocytopenia with dyserythropoiesis. Also called: GATA1-Related Cytopenia; GATA1-Related X-Linked Cytopenia. Identifiers: MedGen C1845837, MONDO:0100089.

Submission:

Victorian Clinical Genetics Services, Murdoch Childrens Research Institute
Classification: Likely pathogenic for GATA binding protein 1 related thrombocytopenia with dyserythropoiesis. Last evaluated: 2025-02-26. Review status: criteria provided, single submitter. Criteria: ACMG Guidelines, 2015. Collection method: clinical testing. Allele origin: germline. Affected: yes.
Comment: This variant is classified as Likely pathogenic. Evidence in support of pathogenic classification: Canonical splice site variant without proven consequence on splicing (no functional evidence available); Variant is absent from gnomAD (v2, v3 and v4); Another splice site variant comparable to the one identified in this case has limited previous evidence for pathogenicity in the germline context. It has also been reported as pathogenic by a clinical laboratory (ClinVar). In addition, c.-19-1G>A has been reported in two individuals with myeloblastic leukaemia with down syndrome (PMIDs: 30207050, 32020774) and has been classified as likely pathogenic in two individuals with down syndrome and leukocytosis by a clinical laboratory (personal communication). Lastly, c.-19-2A>T has been reported in an individual with myeloblastic leukaemia with down syndrome (PMID: 34219329); Abnormal splicing is predicted by in silico tool and affected nucleotide is highly conserved. Additional information: This variant is hemizygous; This gene is associated with X-linked disease. Although males are more severely affected, females can have a milder phenotype composed of mild anaemia and thrombocytopenia (PMID: 33611093); Previous evidence of pathogenicity for this variant is inconclusive. It has been reported once in a cohort of individuals with down syndrome and acute myeloid leukaemia or myelodysplastic syndrome, however it is unconfirmed if the variant is germline (PMID: 31606922); No published segregation evidence has been identified for this variant; No published functional evidence has been identified for this variant; Loss of function is a known mechanism of disease in this gene and is associated with GATA1-related X-linked cytopenia (MONDO#0100089); Inheritance information for this variant is not currently available in this individual.

Literature cited by the submitters: PubMed 37216690; PubMed 34758059; PubMed 33611093; PubMed 30207050; PubMed 32020774; PubMed 26713410; PubMed 31606922; PubMed 34219329.

NM_002049.4(GATA1):c.-19-1G>T

Gene: GATA1 (GATA binding protein 1; plus strand). Cytogenetic location: Xp11.23.
Variant type: single nucleotide variant.
Coding change: c.-19-1G>T on transcript NM_002049.4 (MANE Select); the canonical splice acceptor site of the intron before 19 bases upstream of the start codon, G replaced by T.
Molecular consequence: splice acceptor variant.
Genome position (GRCh38, 1-based): chrX:48,791,090, G>T. VCF-style: chrX-48791090-G-T. GRCh37 (hg19) VCF-style: chrX-48649497-G-T.
Identifiers: ClinVar variation 4531320 (VCV004531320.1).